The following is an entry in ClinVar:

NM_001792.5(CDH2):c.702+6A>T

Gene: CDH2 (cadherin 2; minus strand). Cytogenetic location: 18q12.1.
Variant type: single nucleotide variant.
Coding change: c.702+6A>T on transcript NM_001792.5 (MANE Select); 6 bases into the intron after coding-DNA position 702, A replaced by T.
Molecular consequence: intron variant.
Genome position (GRCh38, 1-based): chr18:28,009,711, T>A on the plus strand (A>T on the coding strand, the complement: CDH2 is on the minus strand). VCF-style: chr18-28009711-T-A. GRCh37 (hg19) VCF-style: chr18-25589675-T-A.
Other names: p.?; c.609+6A>T (NM_001308176.2).
Identifiers: ClinVar variation 789104 (VCV000789104.14), dbSNP rs17493682, ClinGen allele CA8923626.

ClinVar aggregate classification (germline): Benign/Likely benign. Review status: criteria provided, multiple submitters, no conflicts (2 of 4 stars). 5 submissions from 5 submitters: Benign (1); Likely benign (3). 1 of the submissions does not count toward it. Last evaluated 2026-02-02.

Conditions:
CDH2-related disorder. Also called: CDH2-related condition.
Arrhythmogenic right ventricular dysplasia, familial, 14. Also called: ARRHYTHMOGENIC RIGHT VENTRICULAR CARDIOMYOPATHY 14. Identifiers: MedGen C5394505, MONDO:0030062, OMIM 618920.
Agenesis of corpus callosum, cardiac, ocular, and genital syndrome. Identifiers: MedGen C5394523, MONDO:0030065, OMIM 618929.

Allele frequency attached by ClinVar (database versions not stated): gnomAD exomes 0.00026 and 0.00079; ExAC 0.00100; ESP Exome Variant Server 0.00261; gnomAD 0.00276 and 0.00293; TOPMed 0.00328; 1000 Genomes Project 0.00399; 1000 Genomes Project 30x 0.00484.
gnomAD v4.1: 814 of 1,613,210 alleles (0.05%); highest among the groups gnomAD compares: African/African-American, 0.99%; 5 homozygotes.

Submissions (5):

Labcorp Genetics (formerly Invitae), Labcorp
Classification: Benign. Last evaluated: 2026-02-02. Review status: criteria provided, single submitter. Criteria: Invitae Variant Classification Sherloc (09022015). Collection method: clinical testing. Allele origin: germline.

Mayo Clinic Laboratories, Mayo Clinic
Classification: Likely benign. Last evaluated: 2025-08-22. Review status: criteria provided, single submitter. Criteria: ACMG Guidelines, 2015. Collection method: clinical testing. Allele origin: germline. Observed: 2 variant alleles.
Comment: BS1, BP4, BP7

Blueprint Genetics
Classification: Likely benign. Last evaluated: 2024-11-11. Review status: criteria provided, single submitter. Criteria: ACMG Guidelines, 2015. Collection method: clinical testing. Allele origin: germline.

Fulgent Genetics
Classification: Likely benign for Arrhythmogenic right ventricular dysplasia, familial, 14; Agenesis of corpus callosum, cardiac, ocular, and genital syndrome. Last evaluated: 2022-05-17. Review status: criteria provided, single submitter. Criteria: ACMG Guidelines, 2015. Collection method: clinical testing. Allele origin: unknown.

PreventionGenetics, part of Exact Sciences
Classification: Benign for CDH2-related condition. Last evaluated: 2019-04-01. Review status: no assertion criteria provided. Collection method: clinical testing. Allele origin: germline. Not counted in ClinVar's aggregate classification.
Comment: This variant is classified as benign based on ACMG/AMP sequence variant interpretation guidelines (Richards et al. 2015 PMID: 25741868, with internal and published modifications).